The following is an entry in ClinVar:

NM_031885.5(BBS2):c.892del (p.Arg298fs)

Gene: BBS2 (Bardet-Biedl syndrome 2; minus strand). Cytogenetic location: 16q13.
Variant type: Deletion.
Coding change: c.892del on transcript NM_031885.5 (MANE Select); coding-DNA position 892, one base deleted (C; older notation c.892delC).
Protein change: p.Arg298fs; shifts the reading frame from arginine 298.
Molecular consequence: frameshift variant. On other transcripts: non-coding transcript variant (5).
Genome position (GRCh38, 1-based): chr16:56,502,721, G deleted on the plus strand (C on the coding strand, the reverse complement: BBS2 is on the minus strand); the first of 2 consecutive G bases (chr16:56,502,721-56,502,722); deleting either gives the same sequence. VCF-style (leftmost placement, unchanged base first): chr16-56502720-CG-C. GRCh37 (hg19) VCF-style: chr16-56536632-CG-C.
Other names: c.892del, p.Arg298fs (NM_001377456.1); short protein forms R298fs.
Identifiers: ClinVar variation 1069250 (VCV001069250.7), dbSNP rs2144150359, ClinGen allele CA2499223570.

ClinVar aggregate classification (germline): Pathogenic (1 of 4 stars; one submission).

Conditions:
Bardet-Biedl syndrome (BBS). Identifiers: Orphanet 110, MedGen C0752166, MONDO:0015229.

Submission:

Labcorp Genetics (formerly Invitae), Labcorp
Classification: Pathogenic for Bardet-Biedl syndrome. Last evaluated: 2024-10-22. Review status: criteria provided, single submitter. Criteria: Invitae Variant Classification Sherloc (09022015). Collection method: clinical testing. Allele origin: germline.
Comment: This sequence change creates a premature translational stop signal (p.Arg298Glyfs*8) in the BBS2 gene. It is expected to result in an absent or disrupted protein product. Loss-of-function variants in BBS2 are known to be pathogenic (PMID: 11285252, 20177705, 24608809, 26518167). This variant is not present in population databases (gnomAD no frequency). This variant has not been reported in the literature in individuals affected with BBS2-related conditions. ClinVar contains an entry for this variant (Variation ID: 1069250). For these reasons, this variant has been classified as Pathogenic.

Literature cited by the submitters: PubMed 11285252; PubMed 20177705; PubMed 24608809; PubMed 26518167.